The following is an entry in ClinVar:

NM_018965.4(TREM2):c.40+4_40+6del

Gene: TREM2 (triggering receptor expressed on myeloid cells 2; minus strand). Cytogenetic location: 6p21.1.
Variant type: Deletion.
Coding change: c.40+4_40+6del on transcript NM_018965.4 (MANE Select); bases 4 to 6 of the intron after coding-DNA position 40, 3 bases deleted (GGA; older notation c.40+4_40+6delGGA).
Molecular consequence: intron variant.
Genome position (GRCh38, 1-based): chr6:41,163,037-41,163,039, TCC deleted on the plus strand (GGA on the coding strand, the reverse complement: TREM2 is on the minus strand); deleting any 3 consecutive bases within chr6:41,163,037-41,163,040 gives the same sequence; the c. name uses the placement nearest the transcript's 3' end. VCF-style (leftmost placement, unchanged base first): chr6-41163036-ATCC-A. GRCh37 (hg19) VCF-style: chr6-41130774-ATCC-A.
Other names: c.40+4_40+6del (NM_001271821.2); c.40+3_40+5delAGG (NM_018965.2).
Identifiers: ClinVar variation 56723 (VCV000056723.2), dbSNP rs386834142, ClinGen allele CA344769.
Genomic context (GRCh38, chr6:41,163,036, plus strand): 5'-CCCGCGCCCCAACCACATGCTCAAAGTGAGGGAGAGAAGGCATCACAGGGCACGGAGGGG[ATCC>A]TACCTGTGACAAAGAGTAAGATGAGCAGCCGGAGAGGCTCCATGCCACCCTTCCCCAGCC-3'

ClinVar aggregate classification (germline): Pathogenic/Likely pathogenic. Review status: no assertion criteria provided (0 of 4 stars). 2 submissions from 2 submitters: Pathogenic (1); Likely pathogenic (1). Last evaluated 2015-03-12.

Conditions:
Polycystic lipomembranous osteodysplasia with sclerosing leukoencephalopathy 1 (PLOSL1). Also called: TYROBP-Related Polycystic Lipomembranous Osteodysplasia with Sclerosing Leukoencephalopathy; TREM2-Related Polycystic Lipomembranous Osteodysplasia with Sclerosing Leukoencephalopathy. Identifiers: Orphanet 2770, MedGen C4721893, MONDO:0020749, OMIM 221770.

Submissions (2):

GeneReviews
Classification: Pathogenic for Polycystic lipomembranous osteodysplasia with sclerosing leukoencephalopathy. Last evaluated: 2015-03-12. Review status: no assertion criteria provided. Collection method: literature only. Allele origin: germline. Affected: yes.
Comment: This should be expressed as c.40+3_40+5delAGG (corresponding to dbSNP:rs386834142), but is given in PubMedID 18546367 as c.40+3delAGG.

Juha Muilu Group; Institute for Molecular Medicine Finland (FIMM)
Classification: Likely pathogenic for Polycystic lipomembranous osteodysplasia with sclerosing leukoencephalopathy. Review status: no assertion criteria provided. Collection method: not provided. Allele origin: unknown.
Comment: FinDis database variant: This variant was not found or characterized by our laboratory, data were collected from public sources: see reference
ClinVar note: Converted during submission from probable-pathogenic to Likely pathogenic.

Literature cited by the submitters: PubMed 18546367 (cited by GeneReviews).